The following is an entry in ClinVar:

NM_007363.5(NONO):c.87_99delinsGCAGCAGCACCAC (p.His29_Gln33delinsGlnGlnGlnHisHis)

Gene: NONO (non-POU domain containing octamer binding; plus strand). Cytogenetic location: Xq13.1.
Variant type: Indel.
Coding change: c.87_99delinsGCAGCAGCACCAC on transcript NM_007363.5 (MANE Select); coding-DNA positions 87 to 99, CCAGCAGCAACAG replaced by GCAGCAGCACCAC.
Protein change: p.His29_Gln33delinsGlnGlnGlnHisHis.
Molecular consequence: missense variant. On other transcripts: intron variant (1).
Genome position (GRCh38, 1-based): chrX:71,290,724-71,290,736, CCAGCAGCAACAG replaced by GCAGCAGCACCAC. VCF-style: chrX-71290724-CCAGCAGCAACAG-GCAGCAGCACCAC. GRCh37 (hg19) VCF-style: chrX-70510574-CCAGCAGCAACAG-GCAGCAGCACCAC.
Other names: c.87_99delinsGCAGCAGCACCAC, p.His29_Gln33delinsGlnGlnGlnHisHis (NM_001145408.2, NM_001145409.2); c.-113-1055_-113-1043delinsGCAGCAGCACCAC (NM_001145410.2).
Identifiers: ClinVar variation 1309721 (VCV001309721.2), dbSNP rs2148032357, ClinGen allele CA2573055391.

ClinVar aggregate classification (germline): Uncertain significance (1 of 4 stars; one submission).

Submission:

GeneDx
Classification: Uncertain significance. Last evaluated: 2019-10-30. Review status: criteria provided, single submitter. Criteria: GeneDx Variant Classification Process June 2021. Collection method: clinical testing. Allele origin: germline. Affected: yes.
Comment: Not observed in large population cohorts (Lek et al., 2016); In silico analysis, which includes protein predictors and evolutionary conservation, supports that this variant does not alter protein structure/function; Has not been previously published as pathogenic or benign to our knowledge